The following is an entry in ClinVar:

NM_001958.5(EEF1A2):c.94G>A (p.Gly32Arg)

Gene: EEF1A2 (eukaryotic translation elongation factor 1 alpha 2; minus strand). Cytogenetic location: 20q13.33.
Variant type: single nucleotide variant.
Coding change: c.94G>A on transcript NM_001958.5 (MANE Select); coding-DNA position 94, G replaced by A.
Protein change: p.Gly32Arg; replaces glycine 32 with arginine.
Molecular consequence: missense variant.
Genome position (GRCh38, 1-based): chr20:63,497,670, C>T on the plus strand (G>A on the coding strand, the complement: EEF1A2 is on the minus strand). VCF-style: chr20-63497670-C-T. GRCh37 (hg19) VCF-style: chr20-62129023-C-T.
Other names: c.94G>A (NM_001958.2); short protein forms G32R.
Identifiers: ClinVar variation 1952858 (VCV001952858.7), dbSNP rs2082424535, ClinGen allele CA409651789.

ClinVar aggregate classification (germline): Conflicting classifications of pathogenicity. Review status: criteria provided, conflicting classifications (1 of 4 stars). 3 submissions from 3 submitters: Uncertain significance (2); Likely benign (1). Last evaluated 2026-06-28.

Conditions:
Inborn genetic diseases. Identifiers: MedGen C0950123, MeSH D030342.
Developmental and epileptic encephalopathy, 33 (DEE33). Also called: Epileptic encephalopathy, early infantile, 33. Identifiers: Orphanet 442835, MedGen C4225337, MONDO:0014625, OMIM 616409.

Allele frequency attached by ClinVar (database versions not stated): gnomAD exomes below 0.00001.

Submissions (3):

Ambry Genetics
Classification: Uncertain significance for Inborn genetic diseases. Last evaluated: 2026-06-28. Review status: criteria provided, single submitter. Criteria: Ambry Variant Classification Scheme 2023. Collection method: clinical testing. Allele origin: germline.

Labcorp Genetics (formerly Invitae), Labcorp
Classification: Uncertain significance for Developmental and epileptic encephalopathy, 33. Last evaluated: 2024-06-21. Review status: criteria provided, single submitter. Criteria: Invitae Variant Classification Sherloc (09022015). Collection method: clinical testing. Allele origin: germline.
Comment: This sequence change replaces glycine, which is neutral and non-polar, with arginine, which is basic and polar, at codon 32 of the EEF1A2 protein (p.Gly32Arg). This variant is not present in population databases (gnomAD no frequency). This variant has not been reported in the literature in individuals affected with EEF1A2-related conditions. ClinVar contains an entry for this variant (Variation ID: 1952858). Advanced modeling of protein sequence and biophysical properties (such as structural, functional, and spatial information, amino acid conservation, physicochemical variation, residue mobility, and thermodynamic stability) performed at Invitae indicates that this missense variant is expected to disrupt EEF1A2 protein function with a positive predictive value of 95%. In summary, the available evidence is currently insufficient to determine the role of this variant in disease. Therefore, it has been classified as a Variant of Uncertain Significance.

Blueprint Genetics
Classification: Likely benign. Last evaluated: 2022-10-07. Review status: criteria provided, single submitter. Criteria: ACMG Guidelines, 2015. Collection method: clinical testing. Allele origin: germline.